The following is an entry in ClinVar:

NM_019112.4(ABCA7):c.5851G>A (p.Glu1951Lys)

Gene: ABCA7 (ATP binding cassette subfamily A member 7; plus strand). Cytogenetic location: 19p13.3.
Variant type: single nucleotide variant.
Coding change: c.5851G>A on transcript NM_019112.4 (MANE Select); coding-DNA position 5851, G replaced by A.
Protein change: p.Glu1951Lys; replaces glutamic acid 1951 with lysine.
Molecular consequence: missense variant.
Genome position (GRCh38, 1-based): chr19:1,063,763, G>A. VCF-style: chr19-1063763-G-A. GRCh37 (hg19) VCF-style: chr19-1063762-G-A.
Other names: short protein forms E1951K.
Identifiers: ClinVar variation 4847143 (VCV004847143.1).

ClinVar aggregate classification (germline): Uncertain significance (1 of 4 stars; one submission).

gnomAD v4.1: 12 of 1,547,096 alleles (0.00078%); highest among the groups gnomAD compares: African/African-American, 0.0096%; no homozygotes.

Submission:

Women's Health and Genetics/Laboratory Corporation of America, LabCorp
Classification: Uncertain significance. Last evaluated: 2026-03-17. Review status: criteria provided, single submitter. Criteria: LabCorp Variant Classification Summary - May 2015. Collection method: clinical testing. Allele origin: germline.
Comment: Variant summary: ABCA7 c.5851G>A (p.Glu1951Lys) results in a conservative amino acid change in the encoded protein sequence. Algorithms developed to predict the effect of missense changes on protein structure and function are either unavailable or do not agree on the potential impact of this missense change. The variant allele was found at a frequency of 6.4e-06 in 155656 control chromosomes. The available data on variant occurrences in the general population are insufficient to allow any conclusion about variant significance. To our knowledge, no occurrence of c.5851G>A in individuals affected with ABCA7-related conditions and no experimental evidence demonstrating its impact on protein function have been reported. No submitters have cited clinical-significance assessments for this variant to ClinVar. Based on the evidence outlined above, the variant was classified as uncertain significance.